The following is an entry in ClinVar:

NM_005802.5(TOPORS):c.3064C>T (p.Pro1022Ser)

Gene: TOPORS (TOP1 binding arginine/serine rich protein, E3 ubiquitin ligase; minus strand). Cytogenetic location: 9p21.1.
Variant type: single nucleotide variant.
Coding change: c.3064C>T on transcript NM_005802.5 (MANE Select); coding-DNA position 3064, C replaced by T.
Protein change: p.Pro1022Ser; replaces proline 1022 with serine.
Molecular consequence: missense variant.
Genome position (GRCh38, 1-based): chr9:32,541,461, G>A on the plus strand (C>T on the coding strand, the complement: TOPORS is on the minus strand). VCF-style: chr9-32541461-G-A. GRCh37 (hg19) VCF-style: chr9-32541459-G-A.
Other names: c.2869C>T, p.Pro957Ser (NM_001195622.2); c.3064C>T (NM_005802.4); short protein forms P1022S, P957S.
Identifiers: ClinVar variation 1486410 (VCV001486410.8), dbSNP rs138580031, ClinGen allele CA5020272.

ClinVar aggregate classification (germline): Uncertain significance. Review status: criteria provided, multiple submitters, no conflicts (2 of 4 stars). 3 submissions from 3 submitters: Uncertain significance (3). Last evaluated 2025-01-29.

Conditions:
Inborn genetic diseases. Identifiers: MedGen C0950123, MeSH D030342.

Allele frequency attached by ClinVar (database versions not stated): ExAC 0.00001; gnomAD exomes 0.00001; gnomAD 0.00007 and 0.00009; TOPMed 0.00008; ESP Exome Variant Server 0.00015.
gnomAD v4.1: 14 of 1,614,012 alleles (0.00087%); highest among the groups gnomAD compares: African/African-American, 0.017%; no homozygotes.

Submissions (3):

Labcorp Genetics (formerly Invitae), Labcorp
Classification: Uncertain significance. Last evaluated: 2025-01-29. Review status: criteria provided, single submitter. Criteria: Invitae Variant Classification Sherloc (09022015). Collection method: clinical testing. Allele origin: germline.
Comment: This sequence change replaces proline, which is neutral and non-polar, with serine, which is neutral and polar, at codon 1022 of the TOPORS protein (p.Pro1022Ser). This variant is present in population databases (rs138580031, gnomAD 0.02%). This variant has not been reported in the literature in individuals affected with TOPORS-related conditions. ClinVar contains an entry for this variant (Variation ID: 1486410). An algorithm developed to predict the effect of missense changes on protein structure and function outputs the following: PolyPhen-2: "Not Available". The serine amino acid residue is found in multiple mammalian species, which suggests that this missense change does not adversely affect protein function. In summary, the available evidence is currently insufficient to determine the role of this variant in disease. Therefore, it has been classified as a Variant of Uncertain Significance.

Ambry Genetics
Classification: Uncertain significance for Inborn genetic diseases. Last evaluated: 2022-10-03. Review status: criteria provided, single submitter. Criteria: Ambry Variant Classification Scheme 2023. Collection method: clinical testing. Allele origin: germline.

Blueprint Genetics
Classification: Uncertain significance. Last evaluated: 2021-12-23. Review status: criteria provided, single submitter. Criteria: ACMG Guidelines, 2015. Collection method: clinical testing. Allele origin: germline.